The following is an entry in ClinVar:

NM_020184.4(CNNM4):c.434T>C (p.Met145Thr)

Gene: CNNM4 (cyclin and CBS domain divalent metal cation transport mediator 4; plus strand). Cytogenetic location: 2q11.2.
Variant type: single nucleotide variant.
Coding change: c.434T>C on transcript NM_020184.4 (MANE Select); coding-DNA position 434, T replaced by C.
Protein change: p.Met145Thr; replaces methionine 145 with threonine.
Molecular consequence: missense variant.
Genome position (GRCh38, 1-based): chr2:96,761,433, T>C. VCF-style: chr2-96761433-T-C. GRCh37 (hg19) VCF-style: chr2-97427170-T-C.
Other names: short protein forms M145T.
Identifiers: ClinVar variation 337581 (VCV000337581.15), dbSNP rs148129550, ClinGen allele CA1783209.

ClinVar aggregate classification (germline): Benign/Likely benign. Review status: criteria provided, multiple submitters, no conflicts (2 of 4 stars). 4 submissions from 4 submitters: Benign (1); Likely benign (2). 1 of the submissions does not count toward it. Last evaluated 2025-12-23.

Conditions:
CNNM4-related disorder. Also called: CNNM4-related condition.
Jalili syndrome. Also called: CONE-ROD DYSTROPHY AND AMELOGENESIS IMPERFECTA. Identifiers: Orphanet 1873, MedGen C3495589, MONDO:0009007, OMIM 217080.

Allele frequency attached by ClinVar (database versions not stated): gnomAD exomes 0.00024 and 0.00054; gnomAD 0.00026 and 0.00032; TOPMed 0.00032; ExAC 0.00045; 1000 Genomes Project 30x 0.00141; 1000 Genomes Project 0.00180.

Submissions (4):

Labcorp Genetics (formerly Invitae), Labcorp
Classification: Benign. Last evaluated: 2025-12-23. Review status: criteria provided, single submitter. Criteria: Invitae Variant Classification Sherloc (09022015). Collection method: clinical testing. Allele origin: germline.

Blueprint Genetics
Classification: Likely benign. Last evaluated: 2024-10-10. Review status: criteria provided, single submitter. Criteria: ACMG Guidelines, 2015. Collection method: clinical testing. Allele origin: germline.

Illumina Laboratory Services, Illumina
Classification: Likely benign for Jalili syndrome. Last evaluated: 2018-01-12. Review status: criteria provided, single submitter. Criteria: ICSL Variant Classification Criteria 13 December 2019. Collection method: clinical testing. Allele origin: germline.
Comment: This variant was observed in the ICSL laboratory as part of a predisposition screen in an ostensibly healthy population. It had not been previously curated by ICSL or reported in the Human Gene Mutation Database (HGMD: prior to June 1st, 2018), and was therefore a candidate for classification through an automated scoring system. Utilizing variant allele frequency, disease prevalence and penetrance estimates, and inheritance mode, an automated score was calculated to assess if this variant is too frequent to cause the disease. Based on the score and internal cut-off values, a variant classified as likely benign is not then subjected to further curation. The score for this variant resulted in a classification of likely benign for this disease.

PreventionGenetics, part of Exact Sciences
Classification: Likely benign for CNNM4-related condition. Last evaluated: 2024-08-20. Review status: no assertion criteria provided. Collection method: clinical testing. Allele origin: germline. Not counted in ClinVar's aggregate classification.
Comment: This variant is classified as likely benign based on ACMG/AMP sequence variant interpretation guidelines (Richards et al. 2015 PMID: 25741868, with internal and published modifications).